The following is an entry in ClinVar:

NM_001110556.2(FLNA):c.4898G>A (p.Arg1633His)

Gene: FLNA (filamin A; minus strand). Cytogenetic location: Xq28.
Variant type: single nucleotide variant.
Coding change: c.4898G>A on transcript NM_001110556.2 (MANE Select); coding-DNA position 4898, G replaced by A.
Protein change: p.Arg1633His; replaces arginine 1633 with histidine.
Molecular consequence: missense variant.
Genome position (GRCh38, 1-based): chrX:154,357,481, C>T on the plus strand (G>A on the coding strand, the complement: FLNA is on the minus strand). VCF-style: chrX-154357481-C-T. GRCh37 (hg19) VCF-style: chrX-153585849-C-T.
Other names: c.4898G>A, p.Arg1633His (NM_001456.4); short protein forms R1633H.
Identifiers: ClinVar variation 450139 (VCV000450139.4), dbSNP rs782500981, ClinGen allele CA10560448.

ClinVar aggregate classification (germline): Conflicting classifications of pathogenicity. Review status: criteria provided, conflicting classifications (1 of 4 stars). 3 submissions from 3 submitters: Uncertain significance (2); Benign (1). Last evaluated 2026-03-01.

Conditions:
Familial thoracic aortic aneurysm and aortic dissection (TAAD). Also called: Thoracic aortic aneurysms and dissections. Identifiers: Orphanet 91387, MedGen C4707243, MONDO:0019625.
Heterotopia, periventricular, X-linked dominant (PVNH1). Also called: PERIVENTRICULAR NODULAR HETEROTOPIA 1; X-linked periventricular heterotopia; PERIVENTRICULAR NODULAR HETEROTOPIA 4; HETEROTOPIA, PERIVENTRICULAR, 1. Identifiers: Orphanet 2149, Orphanet 82004, MedGen C1848213, MONDO:0010233, OMIM 300049.
Oto-palato-digital syndrome, type II (OPD2). Also called: FACIOPALATOOSSEOUS SYNDROME; OPD II SYNDROME; Otopalatodigital Syndrome Type 2 (FLNA-OPD2); Otopalatodigital Syndrome, Type II. Identifiers: Orphanet 669, Orphanet 90652, MedGen C1844696, MONDO:0010571, OMIM 304120.
Frontometaphyseal dysplasia (FMD1). Identifiers: Orphanet 1826, MedGen C0265293, MONDO:0015942.
Melnick-Needles syndrome (MNS). Also called: MELNICK-NEEDLES OSTEODYSPLASTY; OSTEODYSPLASTY OF MELNICK AND NEEDLES; Melnick-Needles Syndrome (FLNA-MNS). Identifiers: Orphanet 2484, MedGen C0025237, MONDO:0010650, OMIM 309350.

Allele frequency attached by ClinVar (database versions not stated): gnomAD exomes below 0.00001 and 0.00001; gnomAD 0.00001; TOPMed 0.00001; ExAC 0.00004; 1000 Genomes Project 30x 0.00021; 1000 Genomes Project 0.00026.
gnomAD v4.1: 3 of 1,210,426 alleles (0.00025%); highest among the groups gnomAD compares: South Asian, 0.0053%; no homozygotes.

Submissions (3):

Ambry Genetics
Classification: Uncertain significance for Familial thoracic aortic aneurysm and aortic dissection. Last evaluated: 2026-03-01. Review status: criteria provided, single submitter. Criteria: Ambry Variant Classification Scheme 2023. Collection method: clinical testing. Allele origin: germline.
Comment: The p.R1633H variant (also known as c.4898G>A), located in coding exon 28 of the FLNA gene, results from a G to A substitution at nucleotide position 4898. The arginine at codon 1633 is replaced by histidine, an amino acid with highly similar properties. This amino acid position is conserved. In addition, this alteration is predicted to be deleterious by in silico analysis. Based on the available evidence, the clinical significance of this variant remains unclear.

Labcorp Genetics (formerly Invitae), Labcorp
Classification: Benign for Oto-palato-digital syndrome, type II; Heterotopia, periventricular, X-linked dominant; Frontometaphyseal dysplasia; Melnick-Needles syndrome. Last evaluated: 2025-06-10. Review status: criteria provided, single submitter. Criteria: Invitae Variant Classification Sherloc (09022015). Collection method: clinical testing. Allele origin: germline.

GeneDx
Classification: Uncertain significance. Last evaluated: 2017-06-30. Review status: criteria provided, single submitter. Criteria: GeneDx Variant Classification (06012015). Collection method: clinical testing. Allele origin: germline. Affected: yes.
Comment: A variant of uncertain significance has been identified in the FLNA gene. The R1633H variant has not been published as pathogenic or been reported as benign to our knowledge. While this variant is not observed at a significant frequency in large population cohorts, the Exome Aggregation Consortium (ExAC) dataset observed this variant in two hemizygous individuals of South Asian ancestry (Lek et al., 2016; 1000 Genomes Consortium et al., 2015; Exome Variant Server). The R1633H variant is a conservative amino acid substitution, which is not likely to impact secondary protein structure as these residues share similar properties. Nevertheless, this substitution occurs at a position that is conserved across species and in silico analysis predicts this variant is probably damaging to the protein structure/function. Finally, several in silico splice prediction algorithms suggest that the R1633H variant may create a cryptic splice donor site upstream of the canonical splice donor site.